The following is an entry in ClinVar:

NM_006361.6(HOXB13):c.601+5C>A

Gene: HOXB13 (homeobox B13; minus strand). Cytogenetic location: 17q21.32.
Variant type: single nucleotide variant.
Coding change: c.601+5C>A on transcript NM_006361.6 (MANE Select); 5 bases into the intron after coding-DNA position 601, C replaced by A.
Molecular consequence: intron variant.
Genome position (GRCh38, 1-based): chr17:48,727,988, G>T on the plus strand (C>A on the coding strand, the complement: HOXB13 is on the minus strand). VCF-style: chr17-48727988-G-T. GRCh37 (hg19) VCF-style: chr17-46805350-G-T.
Identifiers: ClinVar variation 2707318 (VCV002707318.3), dbSNP rs1597933663, ClinGen allele CA2697560290.
Genomic context (GRCh38, chr17:48,727,988, plus strand): 5'-GGAAATGCCATTGGGACCCACAACCCCAGGCTCAGAGACAAGGGGACCCAGGGTAATAGA[G>T]GTACCTGCAAATGCTGCCTTCCAAAAGGGACCTGGTGGGTTCTGTTCTCCCTGGCAACAC-3'

ClinVar aggregate classification (germline): Uncertain significance (1 of 4 stars; one submission).

Submission:

Labcorp Genetics (formerly Invitae), Labcorp
Classification: Uncertain significance. Last evaluated: 2024-01-04. Review status: criteria provided, single submitter. Criteria: Invitae Variant Classification Sherloc (09022015). Collection method: clinical testing. Allele origin: germline.
Comment: This sequence change falls in intron 1 of the HOXB13 gene. It does not directly change the encoded amino acid sequence of the HOXB13 protein. It affects a nucleotide within the consensus splice site. This variant is not present in population databases (gnomAD no frequency). This variant has not been reported in the literature in individuals affected with HOXB13-related conditions. Variants that disrupt the consensus splice site are a relatively common cause of aberrant splicing (PMID: 17576681, 9536098). Algorithms developed to predict the effect of sequence changes on RNA splicing suggest that this variant is not likely to affect RNA splicing. In summary, the available evidence is currently insufficient to determine the role of this variant in disease. Therefore, it has been classified as a Variant of Uncertain Significance.

Literature cited by the submitters: PubMed 17576681; PubMed 9536098.